The following is an entry in ClinVar:

ClinVar aggregate classification (germline): Uncertain significance (0 of 4 stars; one submission).

Conditions:
TJP2-related disorder. Also called: TJP2-related condition.

Allele frequency attached by ClinVar (database versions not stated): gnomAD 0.00001; TOPMed 0.00002.
gnomAD v4.1: 4 of 1,614,086 alleles (0.00025%); highest among the groups gnomAD compares: African/African-American, 0.0053%; no homozygotes.

Submission:

PreventionGenetics, part of Exact Sciences
Classification: Uncertain significance for TJP2-related condition. Last evaluated: 2023-12-11. Review status: no assertion criteria provided. Collection method: clinical testing. Allele origin: germline.
Comment: The TJP2 c.277A>G variant is predicted to result in the amino acid substitution p.Met93Val. To our knowledge, this variant has not been reported in the literature. This variant is reported in 0.011% of alleles in individuals of African descent in gnomAD. At this time, the clinical significance of this variant is uncertain due to the absence of conclusive functional and genetic evidence.

NM_004817.4(TJP2):c.277A>G (p.Met93Val)

Gene: TJP2 (tight junction protein 2; plus strand). Cytogenetic location: 9q21.11.
Variant type: single nucleotide variant.
Coding change: c.277A>G on transcript NM_004817.4 (MANE Select); coding-DNA position 277, A replaced by G.
Protein change: p.Met93Val; replaces methionine 93 with valine.
Molecular consequence: missense variant.
Genome position (GRCh38, 1-based): chr9:69,218,294, A>G. VCF-style: chr9-69218294-A-G. GRCh37 (hg19) VCF-style: chr9-71833210-A-G.
Other names: c.208A>G, p.Met70Val (NM_001170414.2, NM_001369870.1, NM_001369871.1); c.289A>G, p.Met97Val (NM_001170415.1, NM_001369874.1, NM_001369875.1); c.370A>G, p.Met124Val (NM_001170416.2); c.277A>G, p.Met93Val (NM_001369872.1, NM_001369873.1, NM_201629.3); short protein forms M124V, M70V, M93V, M97V.
Identifiers: ClinVar variation 3033220 (VCV003033220.2), dbSNP rs1412902003, ClinGen allele CA373527012.